The following is an entry in ClinVar:

NM_001374828.1(ARID1B):c.5570A>G (p.Asp1857Gly)

Gene: ARID1B (AT-rich interaction domain 1B; plus strand). Cytogenetic location: 6q25.3.
Variant type: single nucleotide variant.
Coding change: c.5570A>G on transcript NM_001374828.1 (MANE Select); coding-DNA position 5570, A replaced by G.
Protein change: p.Asp1857Gly; replaces aspartic acid 1857 with glycine.
Molecular consequence: missense variant.
Genome position (GRCh38, 1-based): chr6:157,206,342, A>G. VCF-style: chr6-157206342-A-G. GRCh37 (hg19) VCF-style: chr6-157527476-A-G.
Other names: c.5321A>G, p.Asp1774Gly (NM_001346813.1); c.3071A>G, p.Asp1024Gly (NM_001363725.2); c.5450A>G, p.Asp1817Gly (NM_001371656.1, NM_001374820.1); c.5411A>G, p.Asp1804Gly (NM_017519.3); c.5201A>G, p.Asp1734Gly (NM_020732.3); c.4988A>G, p.Asp1663Gly (NM_175863.2); short protein forms D1024G, D1663G, D1734G, D1774G, D1804G, D1817G, D1857G.
Identifiers: ClinVar variation 1719108 (VCV001719108.6), dbSNP rs2538758120, ClinGen allele CA366245893.

ClinVar aggregate classification (germline): Conflicting classifications of pathogenicity. Review status: criteria provided, conflicting classifications (1 of 4 stars). 2 submissions from 2 submitters: Uncertain significance (1); Likely benign (1). Last evaluated 2024-09-20.

Conditions:
Coffin-Siris syndrome 1 (CSS1). Also called: Mental retardation, autosomal dominant 12; ARID1B-Related Coffin-Siris Syndrome. Identifiers: Orphanet 1465, MedGen C3281201, MONDO:0007617, OMIM 135900. Disease mechanism: gain of function.

Submissions (2):

3billion
Classification: Likely benign for Coffin-Siris syndrome 1. Last evaluated: 2024-09-20. Review status: criteria provided, single submitter. Criteria: ACMG Guidelines, 2015. Collection method: clinical testing. Allele origin: germline. Affected: no.
Comment: The variant was identified in at least one patient who was diagnosed with a different variant in another gene and showed no symptoms related to the gene containing the variant in question. Additionally, It was found as homozygous in at least one patient wth no related symptoms.

Labcorp Genetics (formerly Invitae), Labcorp
Classification: Uncertain significance. Last evaluated: 2024-05-20. Review status: criteria provided, single submitter. Criteria: Invitae Variant Classification Sherloc (09022015). Collection method: clinical testing. Allele origin: germline.
Comment: This sequence change replaces aspartic acid, which is acidic and polar, with glycine, which is neutral and non-polar, at codon 1734 of the ARID1B protein (p.Asp1734Gly). This variant is not present in population databases (gnomAD no frequency). This variant has not been reported in the literature in individuals affected with ARID1B-related conditions. ClinVar contains an entry for this variant (Variation ID: 1719108). Algorithms developed to predict the effect of missense changes on protein structure and function output the following: SIFT: "Not Available"; PolyPhen-2: "Benign"; Align-GVGD: "Not Available". The glycine amino acid residue is found in multiple mammalian species, which suggests that this missense change does not adversely affect protein function. In summary, the available evidence is currently insufficient to determine the role of this variant in disease. Therefore, it has been classified as a Variant of Uncertain Significance.